The following is an entry in ClinVar:

NM_177550.5(SLC13A5):c.582G>A (p.Gly194=)

Gene: SLC13A5 (solute carrier family 13 member 5; minus strand). Cytogenetic location: 17p13.1.
Variant type: single nucleotide variant.
Coding change: c.582G>A on transcript NM_177550.5 (MANE Select); coding-DNA position 582, G replaced by A.
Protein change: p.Gly194=; no amino-acid change (glycine 194 retained).
Molecular consequence: synonymous variant.
Genome position (GRCh38, 1-based): chr17:6,703,104, C>T on the plus strand (G>A on the coding strand, the complement: SLC13A5 is on the minus strand). VCF-style: chr17-6703104-C-T. GRCh37 (hg19) VCF-style: chr17-6606423-C-T.
Other names: p.Gly194=; c.582G>A, p.Gly194= (NM_001143838.3); c.531G>A, p.Gly177= (NM_001284509.2); c.453G>A, p.Gly151= (NM_001284510.2).
Identifiers: ClinVar variation 388606 (VCV000388606.17), dbSNP rs147260918, ClinGen allele CA8331667.

ClinVar aggregate classification (germline): Likely benign. Review status: criteria provided, multiple submitters, no conflicts (2 of 4 stars). 5 submissions from 5 submitters: Likely benign (5). Last evaluated 2026-01-19.

Conditions:
Developmental and epileptic encephalopathy, 25 (DEE25). Also called: Developmental and epileptic encephalopathy 25, with amelogenesis imperfecta; Epileptic encephalopathy, early infantile, 25, with amelogenesis imperfecta; Epileptic encephalopathy, early infantile, 25. Identifiers: Orphanet 442835, MedGen C4014621, MONDO:0014392, OMIM 615905.
Inborn genetic diseases. Identifiers: MedGen C0950123, MeSH D030342.

Allele frequency attached by ClinVar (database versions not stated): gnomAD exomes 0.00008; ExAC 0.00011; gnomAD 0.00040; TOPMed 0.00040; ESP Exome Variant Server 0.00046; 1000 Genomes Project 30x 0.00094; 1000 Genomes Project 0.00100.
gnomAD v4.1: 137 of 1,614,122 alleles (0.0085%); highest among the groups gnomAD compares: African/African-American, 0.16%; no homozygotes.

Submissions (5):

Labcorp Genetics (formerly Invitae), Labcorp
Classification: Likely benign for Developmental and epileptic encephalopathy, 25. Last evaluated: 2026-01-19. Review status: criteria provided, single submitter. Criteria: Invitae Variant Classification Sherloc (09022015). Collection method: clinical testing. Allele origin: germline.

Mayo Clinic Laboratories, Mayo Clinic
Classification: Likely benign. Last evaluated: 2025-08-01. Review status: criteria provided, single submitter. Criteria: ACMG Guidelines, 2015. Collection method: clinical testing. Allele origin: germline. Observed: 2 variant alleles.
Comment: BS1, BP4, BP7

Blueprint Genetics
Classification: Likely benign. Last evaluated: 2023-06-02. Review status: criteria provided, single submitter. Criteria: ACMG Guidelines, 2015. Collection method: clinical testing. Allele origin: germline.

GeneDx
Classification: Likely benign. Last evaluated: 2020-09-23. Review status: criteria provided, single submitter. Criteria: GeneDx Variant Classification Process June 2021. Collection method: clinical testing. Allele origin: germline. Affected: yes.

Ambry Genetics
Classification: Likely benign for Inborn genetic diseases. Last evaluated: 2018-08-29. Review status: criteria provided, single submitter. Criteria: Ambry Variant Classification Scheme 2023. Collection method: clinical testing. Allele origin: germline.